The following is an entry in ClinVar:

ClinVar aggregate classification (germline): Uncertain significance. Review status: criteria provided, multiple submitters, no conflicts (2 of 4 stars). 3 submissions from 3 submitters: Uncertain significance (3). Last evaluated 2025-06-18.

Conditions:
Cardiovascular phenotype. Identifiers: MedGen CN230736.
Sick sinus syndrome 2, autosomal dominant (SSS2). Also called: SICK SINUS SYNDROME 2; SICK SINUS SYNDROME 2 WITH OR WITHOUT CARDIAC NONCOMPACTION AND/OR ASCENDING AORTA DILATION; SINUS BRADYCARDIA SYNDROME, FAMILIAL, AUTOSOMAL DOMINANT; SINUS NODE DISEASE, FAMILIAL, AUTOSOMAL DOMINANT; ATRIAL FIBRILLATION WITH BRADYARRHYTHMIA. Identifiers: Orphanet 166282, MedGen C1834144, MONDO:0008102, OMIM 163800.
Brugada syndrome 8 (BRGDA8). Identifiers: Orphanet 130, MedGen C2751083, MONDO:0013148, OMIM 613123.
Epilepsy, idiopathic generalized, susceptibility to, 18. Identifiers: MedGen C5561983, MONDO:0030434, OMIM 619521.

Allele frequency attached by ClinVar (database versions not stated): gnomAD exomes below 0.00001 and 0.00001; gnomAD 0.00001; TOPMed 0.00001.
gnomAD v4.1: 4 of 1,601,342 alleles (0.00025%); highest among the groups gnomAD compares: Non-Finnish European, 0.00034%; no homozygotes.

Submissions (3):

Ambry Genetics
Classification: Uncertain significance for Cardiovascular phenotype. Last evaluated: 2025-06-18. Review status: criteria provided, single submitter. Criteria: Ambry Variant Classification Scheme 2023. Collection method: clinical testing. Allele origin: germline.

Labcorp Genetics (formerly Invitae), Labcorp
Classification: Uncertain significance for Brugada syndrome 8. Last evaluated: 2024-11-01. Review status: criteria provided, single submitter. Criteria: Invitae Variant Classification Sherloc (09022015). Collection method: clinical testing. Allele origin: germline.
Comment: This sequence change replaces leucine, which is neutral and non-polar, with proline, which is neutral and non-polar, at codon 832 of the HCN4 protein (p.Leu832Pro). The frequency data for this variant in the population databases is considered unreliable, as metrics indicate poor data quality at this position in the gnomAD database. This variant has not been reported in the literature in individuals affected with HCN4-related conditions. ClinVar contains an entry for this variant (Variation ID: 1349438). Invitae Evidence Modeling of protein sequence and biophysical properties (such as structural, functional, and spatial information, amino acid conservation, physicochemical variation, residue mobility, and thermodynamic stability) indicates that this missense variant is not expected to disrupt HCN4 protein function with a negative predictive value of 95%. In summary, the available evidence is currently insufficient to determine the role of this variant in disease. Therefore, it has been classified as a Variant of Uncertain Significance.

Fulgent Genetics
Classification: Uncertain significance for Sick sinus syndrome 2, autosomal dominant; Brugada syndrome 8; Epilepsy, idiopathic generalized, susceptibility to, 18. Last evaluated: 2021-08-03. Review status: criteria provided, single submitter. Criteria: ACMG Guidelines, 2015. Collection method: clinical testing. Allele origin: unknown.

NM_005477.3(HCN4):c.2495T>C (p.Leu832Pro)

Gene: HCN4 (hyperpolarization activated cyclic nucleotide gated potassium channel 4; minus strand). Cytogenetic location: 15q24.1.
Variant type: single nucleotide variant.
Coding change: c.2495T>C on transcript NM_005477.3 (MANE Select); coding-DNA position 2495, T replaced by C.
Protein change: p.Leu832Pro; replaces leucine 832 with proline.
Molecular consequence: missense variant.
Genome position (GRCh38, 1-based): chr15:73,323,598, A>G on the plus strand (T>C on the coding strand, the complement: HCN4 is on the minus strand). VCF-style: chr15-73323598-A-G. GRCh37 (hg19) VCF-style: chr15-73615939-A-G.
Other names: short protein forms L832P.
Identifiers: ClinVar variation 1349438 (VCV001349438.12), dbSNP rs1404692878, ClinGen allele CA393088783.
Genomic context (GRCh38, chr15:73,323,598, plus strand): 5'-GGTGTGTCCACCTGGGACGGGCTGCTGGCGGGCGAGGCGGAGCCCAGCGCAGAAGGGATC[A>G]GGGACTGCAGCCGTTTCAGGTGCCTTGGCGTCTGCCCGGCACCGAGGTTGCCCAGCCCAG-3'
Protein context (NP_005468.1, residues 822-842): TPRHLKRLQS[Leu832Pro]IPSALGSASP